The following is an entry in ClinVar:

NM_015046.7(SETX):c.3989C>T (p.Ser1330Phe)

Gene: SETX (senataxin; minus strand). Cytogenetic location: 9q34.13.
Variant type: single nucleotide variant.
Coding change: c.3989C>T on transcript NM_015046.7 (MANE Select); coding-DNA position 3989, C replaced by T.
Protein change: p.Ser1330Phe; replaces serine 1330 with phenylalanine.
Molecular consequence: missense variant.
Genome position (GRCh38, 1-based): chr9:132,327,609, G>A on the plus strand (C>T on the coding strand, the complement: SETX is on the minus strand). VCF-style: chr9-132327609-G-A. GRCh37 (hg19) VCF-style: chr9-135202996-G-A.
Other names: c.3989C>T, p.Ser1330Phe (NM_001351527.2, NM_001351528.2); short protein forms S1330F.
Identifiers: ClinVar variation 1923287 (VCV001923287.6), dbSNP rs983278199, ClinGen allele CA200807584.

ClinVar aggregate classification (germline): Uncertain significance. Review status: criteria provided, multiple submitters, no conflicts (2 of 4 stars). 2 submissions from 2 submitters: Uncertain significance (2). Last evaluated 2023-12-06.

Conditions:
Amyotrophic lateral sclerosis type 4 (ALS4). Also called: AMYOTROPHIC LATERAL SCLEROSIS 4, JUVENILE; NEURONOPATHY, DISTAL HEREDITARY MOTOR, WITH PYRAMIDAL FEATURES. Identifiers: Orphanet 357043, MedGen C1865409, MONDO:0011223, OMIM 602433.
Spinocerebellar ataxia, autosomal recessive, with axonal neuropathy 2 (SCAN2). Also called: Ataxia with Oculomotor Apraxia; Ataxia with Oculomotor Apraxia Type 2; Ataxia-ocular apraxia-2; ATAXIA-OCULOMOTOR APRAXIA 2. Identifiers: Orphanet 64753, MedGen C1853761, MONDO:0018996, OMIM 606002.

Allele frequency attached by ClinVar (database versions not stated): gnomAD exomes below 0.00001.
gnomAD v4.1: 2 of 1,614,026 alleles (0.00012%); highest among the groups gnomAD compares: Non-Finnish European, 0.00017%; no homozygotes.

Submissions (2):

Athena Diagnostics
Classification: Uncertain significance. Last evaluated: 2023-12-06. Review status: criteria provided, single submitter. Criteria: Athena Diagnostics Criteria. Collection method: clinical testing. Allele origin: unknown.
Comment: Available data are insufficient to determine the clinical significance of the variant at this time. This variant has not been reported in large, multi-ethnic general populations. Computational tools predict that this variant is not damaging.

Labcorp Genetics (formerly Invitae), Labcorp
Classification: Uncertain significance for Amyotrophic lateral sclerosis type 4; Spinocerebellar ataxia, autosomal recessive, with axonal neuropathy 2. Last evaluated: 2022-09-11. Review status: criteria provided, single submitter. Criteria: Invitae Variant Classification Sherloc (09022015). Collection method: clinical testing. Allele origin: germline.
Comment: In summary, the available evidence is currently insufficient to determine the role of this variant in disease. Therefore, it has been classified as a Variant of Uncertain Significance. Advanced modeling of protein sequence and biophysical properties (such as structural, functional, and spatial information, amino acid conservation, physicochemical variation, residue mobility, and thermodynamic stability) performed at Invitae indicates that this missense variant is not expected to disrupt SETX protein function. This variant has not been reported in the literature in individuals affected with SETX-related conditions. This variant is not present in population databases (gnomAD no frequency). This sequence change replaces serine, which is neutral and polar, with phenylalanine, which is neutral and non-polar, at codon 1330 of the SETX protein (p.Ser1330Phe).